The following is an entry in ClinVar:

NM_001177316.2(SLC34A3):c.509C>G (p.Thr170Ser)

Gene: SLC34A3 (solute carrier family 34 member 3; plus strand). Cytogenetic location: 9q34.3.
Variant type: single nucleotide variant.
Coding change: c.509C>G on transcript NM_001177316.2 (MANE Select); coding-DNA position 509, C replaced by G.
Protein change: p.Thr170Ser; replaces threonine 170 with serine.
Molecular consequence: missense variant.
Genome position (GRCh38, 1-based): chr9:137,233,064, C>G. VCF-style: chr9-137233064-C-G. GRCh37 (hg19) VCF-style: chr9-140127516-C-G.
Other names: c.509C>G, p.Thr170Ser (NM_001177317.2, NM_080877.3); short protein forms T170S.
Identifiers: ClinVar variation 1916480 (VCV001916480.2), dbSNP rs779167718, ClinGen allele CA5364440.

ClinVar aggregate classification (germline): Uncertain significance (1 of 4 stars; one submission).

Allele frequency attached by ClinVar (database versions not stated): TOPMed below 0.00001; ExAC 0.00001.
gnomAD v4.1: 65 of 1,611,884 alleles (0.004%); highest among the groups gnomAD compares: Non-Finnish European, 0.0054%; no homozygotes.

Submission:

Labcorp Genetics (formerly Invitae), Labcorp
Classification: Uncertain significance. Last evaluated: 2022-02-25. Review status: criteria provided, single submitter. Criteria: Invitae Variant Classification Sherloc (09022015). Collection method: clinical testing. Allele origin: germline.
Comment: This sequence change replaces threonine, which is neutral and polar, with serine, which is neutral and polar, at codon 170 of the SLC34A3 protein (p.Thr170Ser). This variant is present in population databases (rs779167718, gnomAD 0.002%). This variant has not been reported in the literature in individuals affected with SLC34A3-related conditions. Algorithms developed to predict the effect of missense changes on protein structure and function (SIFT, PolyPhen-2, Align-GVGD) all suggest that this variant is likely to be tolerated. In summary, the available evidence is currently insufficient to determine the role of this variant in disease. Therefore, it has been classified as a Variant of Uncertain Significance.